The following is an entry in ClinVar:

ClinVar aggregate classification (germline): Pathogenic (1 of 4 stars; one submission).

Conditions:
Neurofibromatosis, type 1 (NF1). Also called: Peripheral type neurofibromatosis; VON RECKLINGHAUSEN DISEASE; NEUROFIBROMATOSIS, TYPE I, SOMATIC; Neurofibromatosis, type I. Identifiers: Orphanet 636, MedGen C0027831, MONDO:0018975, OMIM 162200. Disease mechanism: loss of function.

Submission:

Labcorp Genetics (formerly Invitae), Labcorp
Classification: Pathogenic for Neurofibromatosis, type 1. Last evaluated: 2024-09-05. Review status: criteria provided, single submitter. Criteria: Invitae Variant Classification Sherloc (09022015). Collection method: clinical testing. Allele origin: germline.
Comment: This sequence change affects an acceptor splice site in intron 18 of the NF1 gene. RNA analysis indicates that disruption of this splice site induces altered splicing and may result in an absent or altered protein product. This variant is not present in population databases (gnomAD no frequency). Disruption of this splice site has been observed in individual(s) with neurofibromatosis, type 1 (PMID: 12872266). Studies have shown that disruption of this splice site results in skipping of exon 19, and produces a non-functional protein and/or introduces a premature termination codon (internal data). For these reasons, this variant has been classified as Pathogenic.

Literature cited by the submitters: PubMed 12872266.

NM_001042492.3(NF1):c.2252-2A>T

Gene: NF1 (neurofibromin 1; plus strand). Cytogenetic location: 17q11.2.
Variant type: single nucleotide variant.
Coding change: c.2252-2A>T on transcript NM_001042492.3 (MANE Select); the canonical splice acceptor site of the intron before coding-DNA position 2252, A replaced by T.
Molecular consequence: splice acceptor variant.
Genome position (GRCh38, 1-based): chr17:31,227,216, A>T. VCF-style: chr17-31227216-A-T. GRCh37 (hg19) VCF-style: chr17-29554234-A-T.
Other names: c.2252-2A>T (NM_000267.4).
Identifiers: ClinVar variation 3663598 (VCV003663598.2).